The following is an entry in ClinVar:

ClinVar aggregate classification (germline): Uncertain significance (1 of 4 stars; one submission).

gnomAD v4.1: 1 of 1,614,244 alleles (0.000062%); no homozygotes.

Submission:

CeGaT Center for Human Genetics Tuebingen
Classification: Uncertain significance. Last evaluated: 2025-11-01. Review status: criteria provided, single submitter. Criteria: CeGaT Center For Human Genetics Tuebingen Variant Classification Criteria Version 2. Collection method: clinical testing. Allele origin: germline. Affected: yes. Observed: 1 variant allele.
Comment: DHX9: PM2, PP2

NM_001357.5(DHX9):c.3295T>C (p.Cys1099Arg)

Gene: DHX9 (DExH-box helicase 9; plus strand). Cytogenetic location: 1q25.3.
Variant type: single nucleotide variant.
Coding change: c.3295T>C on transcript NM_001357.5 (MANE Select); coding-DNA position 3295, T replaced by C.
Protein change: p.Cys1099Arg; replaces cysteine 1099 with arginine.
Molecular consequence: missense variant. On other transcripts: non-coding transcript variant (1).
Genome position (GRCh38, 1-based): chr1:182,884,647, T>C. VCF-style: chr1-182884647-T-C. GRCh37 (hg19) VCF-style: chr1-182853782-T-C.
Other names: short protein forms C1099R.
Identifiers: ClinVar variation 4535144 (VCV004535144.6).